The following is an entry in ClinVar:

ClinVar aggregate classification (germline): Pathogenic (1 of 4 stars; one submission).

Conditions:
Granulomatous disease, chronic, autosomal recessive, cytochrome b-positive, type 2. Also called: CGD, AUTOSOMAL RECESSIVE CYTOCHROME b-POSITIVE, TYPE II; Chronic Granulomatous Disease, Autosomal Recessive, Cytochrome b-Positive, Type II; GRANULOMATOUS DISEASE, CHRONIC, DUE TO NCF2 DEFICIENCY; GRANULOMATOUS DISEASE, CHRONIC, AUTOSOMAL RECESSIVE, 2; Chronic granulomatous disease due to deficiency of NCF-2. Identifiers: Orphanet 379, MedGen C1856245, MONDO:0009310, OMIM 233710.

Submission:

Labcorp Genetics (formerly Invitae), Labcorp
Classification: Pathogenic for Granulomatous disease, chronic, autosomal recessive, cytochrome b-positive, type 2. Last evaluated: 2023-12-09. Review status: criteria provided, single submitter. Criteria: Invitae Variant Classification Sherloc (09022015). Collection method: clinical testing. Allele origin: germline.
Comment: This sequence change creates a premature translational stop signal (p.Ile159Serfs*18) in the NCF2 gene. It is expected to result in an absent or disrupted protein product. Loss-of-function variants in NCF2 are known to be pathogenic (PMID: 10498624, 20167518). This variant is not present in population databases (gnomAD no frequency). This premature translational stop signal has been observed in individual(s) with chronic granulomatous disease (PMID: 29073922). For these reasons, this variant has been classified as Pathogenic.

Literature cited by the submitters: PubMed 10498624; PubMed 20167518; PubMed 29073922.

NM_000433.4(NCF2):c.475del (p.Ile159fs)

Gene: NCF2 (neutrophil cytosolic factor 2; minus strand). Cytogenetic location: 1q25.3.
Variant type: Deletion.
Coding change: c.475del on transcript NM_000433.4 (MANE Select); coding-DNA position 475, one base deleted (A; older notation c.475delA).
Protein change: p.Ile159fs; shifts the reading frame from isoleucine 159.
Molecular consequence: frameshift variant. On other transcripts: intron variant (2).
Genome position (GRCh38, 1-based): chr1:183,574,513, T deleted on the plus strand (A on the coding strand, the reverse complement: NCF2 is on the minus strand); the first of 4 consecutive T bases (chr1:183,574,513-183,574,516); deleting any one gives the same sequence. VCF-style (leftmost placement, unchanged base first): chr1-183574512-AT-A. GRCh37 (hg19) VCF-style: chr1-183543647-AT-A.
Other names: c.475del, p.Ile159fs (NM_001127651.3, NM_001410895.1); c.366+3086del (NM_001190789.2); c.367-1221del (NM_001190794.2); short protein forms I159fs.
Identifiers: ClinVar variation 2734055 (VCV002734055.3), dbSNP rs2527964072, ClinGen allele CA2586967798.
Genomic context (GRCh38, chr1:183,574,512, plus strand): 5'-CATCCTCTCAACACCTGCATCACCAATACGCTTACCCAGACACACTCCATCGCCTTGTCG[AT>A]TTTGGAATGTCTGGGCTCAGACTTCATGCTCGTGGCCAATGCTAACTGTTCTTCAGCTTT-3'